The following is an entry in ClinVar:

NM_001142800.2(EYS):c.4308T>G (p.Ile1436Met)

Gene: EYS (eyes shut homolog; minus strand). Cytogenetic location: 6q12.
Variant type: single nucleotide variant.
Coding change: c.4308T>G on transcript NM_001142800.2 (MANE Select); coding-DNA position 4308, T replaced by G.
Protein change: p.Ile1436Met; replaces isoleucine 1436 with methionine.
Molecular consequence: missense variant.
Genome position (GRCh38, 1-based): chr6:64,591,559, A>C on the plus strand (T>G on the coding strand, the complement: EYS is on the minus strand). VCF-style: chr6-64591559-A-C. GRCh37 (hg19) VCF-style: chr6-65301452-A-C.
Other names: c.4308T>G, p.Ile1436Met (NM_001292009.2); short protein forms I1436M.
Identifiers: ClinVar variation 938720 (VCV000938720.7), dbSNP rs1402137490, ClinGen allele CA364783602.
Genomic context (GRCh38, chr6:64,591,559, plus strand): 5'-ACTTATGGAGGCAGCTATAAGCAGGAATCCACGGGAGAGTAATGACTGCCTGTTTAGCTC[A>C]ATATCAGCCCCTGGAATGCTTCTAATTACTGAAGTCGTTGGGGTAGCAGATAAAGCAACA-3'
Protein context (NP_001136272.1, residues 1426-1446): SVIRSIPGAD[Ile1436Met]ELNRQSLLSR

ClinVar aggregate classification (germline): Uncertain significance. Review status: criteria provided, single submitter (1 of 4 stars). 2 submissions from 2 submitters: Uncertain significance (1). 1 of the submissions does not count toward it. Last evaluated 2022-07-12.

Conditions:
Retinitis pigmentosa 25 (RP25). Identifiers: Orphanet 791, MedGen C1864446, MONDO:0011272, OMIM 602772.

Allele frequency attached by ClinVar (database versions not stated): gnomAD exomes 0.00001 and 0.00003; TOPMed 0.00001.
gnomAD v4.1: 5 of 1,551,298 alleles (0.00032%); highest among the groups gnomAD compares: Admixed American, 0.0078%; no homozygotes.

Submissions (2):

Labcorp Genetics (formerly Invitae), Labcorp
Classification: Uncertain significance. Last evaluated: 2022-07-12. Review status: criteria provided, single submitter. Criteria: Invitae Variant Classification Sherloc (09022015). Collection method: clinical testing. Allele origin: germline.
Comment: This sequence change replaces isoleucine, which is neutral and non-polar, with methionine, which is neutral and non-polar, at codon 1436 of the EYS protein (p.Ile1436Met). This variant is present in population databases (no rsID available, gnomAD 0.02%). This variant has not been reported in the literature in individuals affected with EYS-related conditions. ClinVar contains an entry for this variant (Variation ID: 938720). Algorithms developed to predict the effect of missense changes on protein structure and function (SIFT, PolyPhen-2, Align-GVGD) all suggest that this variant is likely to be tolerated. In summary, the available evidence is currently insufficient to determine the role of this variant in disease. Therefore, it has been classified as a Variant of Uncertain Significance.

Natera, Inc.
Classification: Uncertain significance for Retinitis pigmentosa type 25. Last evaluated: 2021-05-04. Review status: no assertion criteria provided. Collection method: clinical testing. Allele origin: germline. Not counted in ClinVar's aggregate classification.